The following is an entry in ClinVar:

ClinVar aggregate classification (germline): Uncertain significance. Review status: criteria provided, multiple submitters, no conflicts (2 of 4 stars). 2 submissions from 2 submitters: Uncertain significance (2). Last evaluated 2023-10-18.

Conditions:
Ataxia-telangiectasia syndrome (AT). Also called: ATAXIA-TELANGIECTASIA, COMPLEMENTATION GROUP A; ATAXIA-TELANGIECTASIA, FRESNO VARIANT; Ataxia-telangiectasia; Ataxia-telangiectasia, complementation group E; LOUIS-BAR SYNDROME; Cerebello-oculocutaneous telangiectasia. Identifiers: Orphanet 100, MedGen C0004135, MONDO:0008840, OMIM 208900.
Hereditary cancer-predisposing syndrome. Also called: Tumor predisposition; Hereditary Cancer Syndrome; Hereditary neoplastic syndrome; Neoplastic Syndromes, Hereditary. Identifiers: Orphanet 140162, MedGen C0027672, MeSH D009386, MONDO:0015356.

Submissions (2):

Ambry Genetics
Classification: Uncertain significance for Hereditary cancer-predisposing syndrome. Last evaluated: 2023-10-18. Review status: criteria provided, single submitter. Criteria: Ambry Variant Classification Scheme 2023. Collection method: clinical testing. Allele origin: germline.
Comment: The c.8585-3C>A intronic variant results from a C to A substitution 3 nucleotides upstream from coding exon 58 in the ATM gene. This nucleotide position is not well conserved in available vertebrate species. In silico splice site analysis predicts that this alteration will not have any significant effect on splicing. Since supporting evidence is limited at this time, the clinical significance of this alteration remains unclear.

Labcorp Genetics (formerly Invitae), Labcorp
Classification: Uncertain significance for Ataxia-telangiectasia syndrome. Last evaluated: 2022-01-18. Review status: criteria provided, single submitter. Criteria: Invitae Variant Classification Sherloc (09022015). Collection method: clinical testing. Allele origin: germline.
Comment: In summary, the available evidence is currently insufficient to determine the role of this variant in disease. Therefore, it has been classified as a Variant of Uncertain Significance. Variants that disrupt the consensus splice site are a relatively common cause of aberrant splicing (PMID: 17576681, 9536098). Algorithms developed to predict the effect of sequence changes on RNA splicing suggest that this variant may disrupt the consensus splice site. This variant has not been reported in the literature in individuals affected with ATM-related conditions. This variant is not present in population databases (gnomAD no frequency). This sequence change falls in intron 58 of the ATM gene. It does not directly change the encoded amino acid sequence of the ATM protein. It affects a nucleotide within the consensus splice site.

Literature cited by the submitters: PubMed 17576681 (cited by Labcorp Genetics (formerly Invitae), Labcorp); PubMed 9536098 (cited by Labcorp Genetics (formerly Invitae), Labcorp).

NM_000051.4(ATM):c.8585-3C>A

Genes: ATM (ATM serine/threonine kinase; plus strand), C11orf65 (chromosome 11 open reading frame 65; minus strand). Cytogenetic location: 11q22.3.
Variant type: single nucleotide variant.
Coding change: c.8585-3C>A on transcript NM_000051.4 (MANE Select); 3 bases into the intron before coding-DNA position 8585, C replaced by A.
Molecular consequence: intron variant.
Genome position (GRCh38, 1-based): chr11:108,347,276, C>A. VCF-style: chr11-108347276-C-A. GRCh37 (hg19) VCF-style: chr11-108218003-C-A.
Other names: c.8585-3C>A (NM_001351834.2); c.641-38205G>T (NM_001330368.2); c.695-11984G>T (NM_001351110.2).
Identifiers: ClinVar variation 2082196 (VCV002082196.3), dbSNP rs2088539028, ClinGen allele CA2580083455.